The following is an entry in ClinVar:

ClinVar aggregate classification (germline): Likely benign (1 of 4 stars; one submission).

Allele frequency attached by ClinVar (database versions not stated): gnomAD exomes 0.00018; ExAC 0.00069; gnomAD 0.00190; TOPMed 0.00211; ESP Exome Variant Server 0.00223; 1000 Genomes Project 0.00300; 1000 Genomes Project 30x 0.00344.
gnomAD v4.1: 556 of 1,613,532 alleles (0.034%); highest among the groups gnomAD compares: African/African-American, 0.64%; no homozygotes.

Submission:

CeGaT Center for Human Genetics Tuebingen
Classification: Likely benign. Last evaluated: 2025-10-01. Review status: criteria provided, single submitter. Criteria: CeGaT Center For Human Genetics Tuebingen Variant Classification Criteria Version 2. Collection method: clinical testing. Allele origin: germline. Affected: yes. Observed: 3 variant alleles.
Comment: MRPS28: BP4, BS1

NM_014018.3(MRPS28):c.172C>T (p.Arg58Trp)

Genes: MRPS28 (mitochondrial ribosomal protein S28; minus strand), TPD52-MRPS28 (TPD52-MRPS28 readthrough; minus strand), LOC130000644 (ATAC-STARR-seq lymphoblastoid active region 27552; plus strand). Cytogenetic location: 8q21.13.
Variant type: single nucleotide variant.
Coding change: c.172C>T on transcript NM_014018.3 (MANE Select); coding-DNA position 172, C replaced by T.
Protein change: p.Arg58Trp; replaces arginine 58 with tryptophan.
Molecular consequence: missense variant. On other transcripts: intron variant (1).
Genome position (GRCh38, 1-based): chr8:80,030,077, G>A on the plus strand (C>T on the coding strand, the complement: MRPS28 is on the minus strand). VCF-style: chr8-80030077-G-A. GRCh37 (hg19) VCF-style: chr8-80942312-G-A.
Other names: c.435+12543C>T (NM_001387778.1); short protein forms R58W.
Identifiers: ClinVar variation 1879717 (VCV001879717.29), dbSNP rs147337080, ClinGen allele CA4790056.